The following is an entry in ClinVar:

ClinVar aggregate classification (germline): Uncertain significance (1 of 4 stars; one submission).

Conditions:
Gastrointestinal stromal tumor. Also called: Gastrointestinal stroma tumor; Gastrointestinal stromal tumor, somatic. Identifiers: Orphanet 44890, MedGen C0238198, MeSH D046152, MONDO:0011719, OMIM 606764, HP:0100723.

Submission:

Labcorp Genetics (formerly Invitae), Labcorp
Classification: Uncertain significance for Gastrointestinal stromal tumor. Last evaluated: 2025-06-08. Review status: criteria provided, single submitter. Criteria: Invitae Variant Classification Sherloc (09022015). Collection method: clinical testing. Allele origin: germline.
Comment: This sequence change replaces leucine, which is neutral and non-polar, with isoleucine, which is neutral and non-polar, at codon 80 of the PDGFRA protein (p.Leu80Ile). This variant is not present in population databases (gnomAD no frequency). This variant has not been reported in the literature in individuals affected with PDGFRA-related conditions. ClinVar contains an entry for this variant (Variation ID: 2000157). Invitae Evidence Modeling of protein sequence and biophysical properties (such as structural, functional, and spatial information, amino acid conservation, physicochemical variation, residue mobility, and thermodynamic stability) indicates that this missense variant is not expected to disrupt PDGFRA protein function with a negative predictive value of 80%. In summary, the available evidence is currently insufficient to determine the role of this variant in disease. Therefore, it has been classified as a Variant of Uncertain Significance.

NM_006206.6(PDGFRA):c.238C>A (p.Leu80Ile)

Gene: PDGFRA (platelet derived growth factor receptor alpha; plus strand). Cytogenetic location: 4q12.
Variant type: single nucleotide variant.
Coding change: c.238C>A on transcript NM_006206.6 (MANE Select); coding-DNA position 238, C replaced by A.
Protein change: p.Leu80Ile; replaces leucine 80 with isoleucine.
Molecular consequence: missense variant.
Genome position (GRCh38, 1-based): chr4:54,261,283, C>A. VCF-style: chr4-54261283-C-A. GRCh37 (hg19) VCF-style: chr4-55127450-C-A.
Other names: c.238C>A, p.Leu80Ile (NM_001347829.2, NM_001347827.2); c.277C>A, p.Leu93Ile (NM_001347830.2); c.313C>A, p.Leu105Ile (NM_001347828.2); short protein forms L105I, L93I, L80I.
Identifiers: ClinVar variation 2000157 (VCV002000157.4), dbSNP rs2475422668, ClinGen allele CA356888603.
Genomic context (GRCh38, chr4:54,261,283, plus strand): 5'-CCCATGTCTGAAGAAGAGAGCTCCGATGTGGAAATCAGAAATGAAGAAAACAACAGCGGC[C>A]TTTTTGTGACGGTCTTGGAAGTGAGCAGTGCCTCGGCGGCCCACACAGGGTTGTACACTT-3'
Protein context (NP_006197.1, residues 70-90): EIRNEENNSG[Leu80Ile]FVTVLEVSSA